The following is an entry in ClinVar:

NM_015346.4(ZFYVE26):c.6086T>C (p.Ile2029Thr)

Gene: ZFYVE26 (zinc finger FYVE-type containing 26; minus strand). Cytogenetic location: 14q24.1.
Variant type: single nucleotide variant.
Coding change: c.6086T>C on transcript NM_015346.4 (MANE Select); coding-DNA position 6086, T replaced by C.
Protein change: p.Ile2029Thr; replaces isoleucine 2029 with threonine.
Molecular consequence: missense variant.
Genome position (GRCh38, 1-based): chr14:67,762,745, A>G on the plus strand (T>C on the coding strand, the complement: ZFYVE26 is on the minus strand). VCF-style: chr14-67762745-A-G. GRCh37 (hg19) VCF-style: chr14-68229462-A-G.
Other names: p.Ile2029Thr; short protein forms I2029T.
Identifiers: ClinVar variation 215890 (VCV000215890.55), dbSNP rs139163400, ClinGen allele CA338151.

ClinVar aggregate classification (germline): Conflicting classifications of pathogenicity. Review status: criteria provided, conflicting classifications (1 of 4 stars). 10 submissions from 10 submitters: Uncertain significance (1); Likely benign (8). 1 of the submissions does not count toward it. Last evaluated 2026-08-01.

Conditions:
ZFYVE26-related disorder. Also called: ZFYVE26-related condition.
Spastic paraplegia. Identifiers: MedGen C0037772, HP:0001258.
Hereditary spastic paraplegia. Also called: Familial spastic paraparesis. Identifiers: Orphanet 685, MedGen C0037773, MONDO:0019064. Disease mechanism: loss of function.
Hereditary spastic paraplegia 15 (SPG15). Also called: KJELLIN SYNDROME; SPASTIC PARAPLEGIA AND RETINAL DEGENERATION; SPASTIC PARAPLEGIA 15, AUTOSOMAL RECESSIVE. Identifiers: Orphanet 100996, MedGen C1849128, MONDO:0010044, OMIM 270700.

Allele frequency attached by ClinVar (database versions not stated): 1000 Genomes Project 30x 0.00078; 1000 Genomes Project 0.00100; gnomAD 0.00120 and 0.00130; TOPMed 0.00134; gnomAD exomes 0.00135 and 0.00183; ESP Exome Variant Server 0.00138; ExAC 0.00147.
gnomAD v4.1: 2,852 of 1,614,218 alleles (0.18%); highest among the groups gnomAD compares: Non-Finnish European, 0.21%; 3 homozygotes.

Submissions (10):

CeGaT Center for Human Genetics Tuebingen
Classification: Likely benign. Last evaluated: 2026-08-01. Review status: criteria provided, single submitter. Criteria: CeGaT Center For Human Genetics Tuebingen Variant Classification Criteria Version 2. Collection method: clinical testing. Allele origin: germline. Affected: yes. Observed: 7 variant alleles.
Comment: ZFYVE26: BS2

Labcorp Genetics (formerly Invitae), Labcorp
Classification: Likely benign for Spastic paraplegia. Last evaluated: 2026-01-30. Review status: criteria provided, single submitter. Criteria: Invitae Variant Classification Sherloc (09022015). Collection method: clinical testing. Allele origin: germline.

GeneDx
Classification: Likely benign. Last evaluated: 2025-07-03. Review status: criteria provided, single submitter. Criteria: GeneDx Variant Classification Process June 2021. Collection method: clinical testing. Allele origin: germline. Affected: yes.
Comment: See Variant Classification Assertion Criteria.

Mayo Clinic Laboratories, Mayo Clinic
Classification: Likely benign. Last evaluated: 2025-01-27. Review status: criteria provided, single submitter. Criteria: ACMG Guidelines, 2015. Collection method: clinical testing. Allele origin: germline. Observed: 6 variant alleles.
Comment: BS1

Blueprint Genetics
Classification: Likely benign. Last evaluated: 2024-10-29. Review status: criteria provided, single submitter. Criteria: ACMG Guidelines, 2015. Collection method: clinical testing. Allele origin: germline.

Athena Diagnostics
Classification: Likely benign. Last evaluated: 2021-01-13. Review status: criteria provided, single submitter. Criteria: Athena Diagnostics criteria. Collection method: clinical testing. Allele origin: unknown.

Illumina Laboratory Services, Illumina
Classification: Uncertain significance for Hereditary spastic paraplegia 15. Last evaluated: 2018-01-13. Review status: criteria provided, single submitter. Criteria: ICSL Variant Classification Criteria 13 December 2019. Collection method: clinical testing. Allele origin: germline.

Genome Diagnostics Laboratory, The Hospital for Sick Children
Classification: Likely benign for Hereditary spastic paraplegia. Last evaluated: 2016-12-12. Review status: criteria provided, single submitter. Criteria: ACMG Guidelines, 2015. Collection method: clinical testing. Allele origin: germline. Affected: yes.

Eurofins Ntd Llc (ga)
Classification: Likely benign. Last evaluated: 2015-10-23. Review status: criteria provided, single submitter. Criteria: EGL Classification Definitions 2015. Collection method: clinical testing. Allele origin: germline. Observed: 1 variant allele, 1 heterozygote.

PreventionGenetics, part of Exact Sciences
Classification: Likely benign for ZFYVE26-related condition. Last evaluated: 2022-09-01. Review status: no assertion criteria provided. Collection method: clinical testing. Allele origin: germline. Not counted in ClinVar's aggregate classification.
Comment: This variant is classified as likely benign based on ACMG/AMP sequence variant interpretation guidelines (Richards et al. 2015 PMID: 25741868, with internal and published modifications).

Literature cited by the submitters: PubMed 31108397 (cited by Mayo Clinic Laboratories, Mayo Clinic and Athena Diagnostics).